The following is an entry in ClinVar:

ClinVar aggregate classification (germline): Uncertain significance (1 of 4 stars; one submission).

Conditions:
Epileptic encephalopathy. Identifiers: MedGen C0543888, HP:0200134.

Submission:

Labcorp Genetics (formerly Invitae), Labcorp
Classification: Uncertain significance for Epileptic encephalopathy. Last evaluated: 2023-06-14. Review status: criteria provided, single submitter. Criteria: Invitae Variant Classification Sherloc (09022015). Collection method: clinical testing. Allele origin: germline.
Comment: This variant is not present in population databases (gnomAD no frequency). This sequence change replaces asparagine, which is neutral and polar, with histidine, which is basic and polar, at codon 110 of the GABBR2 protein (p.Asn110His). In summary, the available evidence is currently insufficient to determine the role of this variant in disease. Therefore, it has been classified as a Variant of Uncertain Significance. Advanced modeling of protein sequence and biophysical properties (such as structural, functional, and spatial information, amino acid conservation, physicochemical variation, residue mobility, and thermodynamic stability) has been performed at Invitae for this missense variant, however the output from this modeling did not meet the statistical confidence thresholds required to predict the impact of this variant on GABBR2 protein function. This variant has not been reported in the literature in individuals affected with GABBR2-related conditions.

NM_005458.8(GABBR2):c.328A>C (p.Asn110His)

Gene: GABBR2 (gamma-aminobutyric acid type B receptor subunit 2; minus strand). Cytogenetic location: 9q22.33.
Variant type: single nucleotide variant.
Coding change: c.328A>C on transcript NM_005458.8 (MANE Select); coding-DNA position 328, A replaced by C.
Protein change: p.Asn110His; replaces asparagine 110 with histidine.
Molecular consequence: missense variant.
Genome position (GRCh38, 1-based): chr9:98,578,066, T>G on the plus strand (A>C on the coding strand, the complement: GABBR2 is on the minus strand). VCF-style: chr9-98578066-T-G. GRCh37 (hg19) VCF-style: chr9-101340348-T-G.
Other names: short protein forms N110H.
Identifiers: ClinVar variation 2713315 (VCV002713315.3), dbSNP rs2490139749, ClinGen allele CA374350252.